The following is an entry in ClinVar:

ClinVar aggregate classification (germline): Likely pathogenic (1 of 4 stars; one submission).

Submission:

Labcorp Genetics (formerly Invitae), Labcorp
Classification: Likely pathogenic. Last evaluated: 2024-01-24. Review status: criteria provided, single submitter. Criteria: Invitae Variant Classification Sherloc (09022015). Collection method: clinical testing. Allele origin: germline.
Comment: This sequence change affects an acceptor splice site in intron 1 of the SNAP29 gene. It is expected to disrupt RNA splicing. Variants that disrupt the donor or acceptor splice site typically lead to a loss of protein function (PMID: 16199547), and loss-of-function variants in SNAP29 are known to be pathogenic (PMID: 15968592, 21073448). This variant is not present in population databases (gnomAD no frequency). This variant has not been reported in the literature in individuals affected with SNAP29-related conditions. Algorithms developed to predict the effect of sequence changes on RNA splicing suggest that this variant may disrupt the consensus splice site. In summary, the currently available evidence indicates that the variant is pathogenic, but additional data are needed to prove that conclusively. Therefore, this variant has been classified as Likely Pathogenic.

Literature cited by the submitters: PubMed 16199547; PubMed 15968592; PubMed 21073448.

NM_004782.4(SNAP29):c.238-1G>A

Gene: SNAP29 (synaptosome associated protein 29; plus strand). Cytogenetic location: 22q11.21.
Variant type: single nucleotide variant.
Coding change: c.238-1G>A on transcript NM_004782.4 (MANE Select); the canonical splice acceptor site of the intron before coding-DNA position 238, G replaced by A.
Molecular consequence: splice acceptor variant.
Genome position (GRCh38, 1-based): chr22:20,870,336, G>A. VCF-style: chr22-20870336-G-A. GRCh37 (hg19) VCF-style: chr22-21224624-G-A.
Identifiers: ClinVar variation 2711082 (VCV002711082.3), dbSNP rs2518511727, ClinGen allele CA410755920.
Genomic context (GRCh38, chr22:20,870,336, plus strand): 5'-TTGACTGCCCTGGGGGAGAGTCACAGAAAGCTATAATGCCACTGCCTCTCGGTTTCCCCA[G>A]GAGCTCGCCCGTCAGCGAGGAGTCCTGGAGCGCACAGAGAAGATGGTGGACAAGATGGAC-3'